The following is an entry in ClinVar:

ClinVar aggregate classification (germline): Uncertain significance (1 of 4 stars; one submission).

Conditions:
Desmin-related myofibrillar myopathy (MFM1). Also called: Desminopathy; Desmin related myopathy (former name); Desmin storage myopathy (former name); MYOFIBRILLAR MYOPATHY WITH ARRHYTHMOGENIC RIGHT VENTRICULAR CARDIOMYOPATHY; Myofibrillar myopathy 1; DESMIN-RELATED MYOPATHY WITH ARRHYTHMOGENIC RIGHT VENTRICULAR CARDIOMYOPATHY. Identifiers: Orphanet 363543, Orphanet 98909, MedGen C1832370, MONDO:0011076, OMIM 601419.

Allele frequency attached by ClinVar (database versions not stated): gnomAD exomes below 0.00001.
gnomAD v4.1: 1 of 1,614,110 alleles (0.000062%); highest among the groups gnomAD compares: Non-Finnish European, 0.000085%; no homozygotes.

Submission:

Labcorp Genetics (formerly Invitae), Labcorp
Classification: Uncertain significance for Desmin-related myofibrillar myopathy. Last evaluated: 2023-07-31. Review status: criteria provided, single submitter. Criteria: Invitae Variant Classification Sherloc (09022015). Collection method: clinical testing. Allele origin: germline.
Comment: This sequence change replaces aspartic acid, which is acidic and polar, with histidine, which is basic and polar, at codon 365 of the DES protein (p.Asp365His). In summary, the available evidence is currently insufficient to determine the role of this variant in disease. Therefore, it has been classified as a Variant of Uncertain Significance. Advanced modeling of protein sequence and biophysical properties (such as structural, functional, and spatial information, amino acid conservation, physicochemical variation, residue mobility, and thermodynamic stability) has been performed at Invitae for this missense variant, however the output from this modeling did not meet the statistical confidence thresholds required to predict the impact of this variant on DES protein function. This variant has not been reported in the literature in individuals affected with DES-related conditions. This variant is not present in population databases (gnomAD no frequency).

NM_001927.4(DES):c.1093G>C (p.Asp365His)

Gene: DES (desmin; plus strand). Cytogenetic location: 2q35.
Variant type: single nucleotide variant.
Coding change: c.1093G>C on transcript NM_001927.4 (MANE Select); coding-DNA position 1093, G replaced by C.
Protein change: p.Asp365His; replaces aspartic acid 365 with histidine.
Molecular consequence: missense variant. On other transcripts: intron variant (1).
Genome position (GRCh38, 1-based): chr2:219,421,409, G>C. VCF-style: chr2-219421409-G-C. GRCh37 (hg19) VCF-style: chr2-220286131-G-C.
Other names: c.1090G>C, p.Asp364His (NM_001382708.1); c.1024G>C, p.Asp342His (NM_001382710.1); c.1072G>C, p.Asp358His (NM_001382711.1); c.1093G>C, p.Asp365His (NM_001382712.1); c.823G>C, p.Asp275His (NM_001382713.1); c.736-75G>C (NM_001382709.1); short protein forms D275H, D365H, D342H, D358H, D364H.
Identifiers: ClinVar variation 2935423 (VCV002935423.3), dbSNP rs1954439557, ClinGen allele CA350694143.